The following is an entry in ClinVar:

NM_006306.4(SMC1A):c.3619-5_3619-3del

Gene: SMC1A (structural maintenance of chromosomes 1A; minus strand). Cytogenetic location: Xp11.22.
Variant type: Deletion.
Coding change: c.3619-5_3619-3del on transcript NM_006306.4 (MANE Select); 5 bases into the intron before coding-DNA position 3619 through 3 bases into the intron before coding-DNA position 3619, 3 bases deleted (TTC; older notation c.3619-5_3619-3delTTC).
Molecular consequence: intron variant.
Genome position (GRCh38, 1-based): chrX:53,380,189-53,380,191, GAA deleted on the plus strand (TTC on the coding strand, the reverse complement: SMC1A is on the minus strand); deleting any 3 consecutive bases within chrX:53,380,189-53,380,192 gives the same sequence; the c. name uses the placement nearest the transcript's 3' end. VCF-style (leftmost placement, unchanged base first): chrX-53380188-TGAA-T. GRCh37 (hg19) VCF-style: chrX-53407109-TGAA-T.
Other names: c.3553-5_3553-3del (NM_001281463.1).
Identifiers: ClinVar variation 4884031 (VCV004884031.2).

ClinVar aggregate classification (germline): Uncertain significance (1 of 4 stars; one submission).

Submission:

Dasa
Classification: Uncertain significance. Last evaluated: 2025-08-05. Review status: criteria provided, single submitter. Criteria: DASA Assertion Criteria. Collection method: clinical testing. Allele origin: germline.
Comment: NM_006306.4(SMC1A):c.3619-5_3619-3del is a splice-region variant. This variant is rare in population databases. The currently available literature and clinical evidence are not sufficient to establish a definitive association between this variant and the reported condition. Therefore, this variant is classified as a variant of uncertain significance.